The following is an entry in ClinVar:

NM_000492.4(CFTR):c.2848C>T (p.His950Tyr)

Gene: CFTR (CF transmembrane conductance regulator; plus strand). Cytogenetic location: 7q31.2.
Variant type: single nucleotide variant.
Coding change: c.2848C>T on transcript NM_000492.4 (MANE Select); coding-DNA position 2848, C replaced by T.
Protein change: p.His950Tyr; replaces histidine 950 with tyrosine.
Molecular consequence: missense variant.
Genome position (GRCh38, 1-based): chr7:117,603,722, C>T. VCF-style: chr7-117603722-C-T. GRCh37 (hg19) VCF-style: chr7-117243776-C-T.
Other names: short protein forms H950Y.
Identifiers: ClinVar variation 1796792 (VCV001796792.2), dbSNP rs2485122341, ClinGen allele CA368987253.
Genomic context (GRCh38, chr7:117,603,722, plus strand): 5'-GGATTCTTCAGAGGTCTACCACTGGTGCATACTCTAATCACAGTGTCGAAAATTTTACAC[C>T]ACAAAATGTTACATTCTGTTCTTCAAGCACCTATGTCAACCCTCAACACGTTGAAAGCAG-3'
Protein context (NP_000483.3, residues 940-960): TLITVSKILH[His950Tyr]KMLHSVLQAP

ClinVar aggregate classification (germline): Uncertain significance (1 of 4 stars; one submission).

Conditions:
Cystic fibrosis (CF). Also called: MUCOVISCIDOSIS. Identifiers: Orphanet 586, MedGen C0010674, MONDO:0009061, OMIM 219700. Disease mechanism: loss of function.

Submission:

Ambry Genetics
Classification: Uncertain significance for Cystic fibrosis. Last evaluated: 2022-10-08. Review status: criteria provided, single submitter. Criteria: Ambry Variant Classification Scheme 2023. Collection method: clinical testing. Allele origin: germline.
Comment: The p.H950Y variant (also known as c.2848C>T), located in coding exon 17 of the CFTR gene, results from a C to T substitution at nucleotide position 2848. The histidine at codon 950 is replaced by tyrosine, an amino acid with similar properties. This amino acid position is conserved. In addition, the in silico prediction for this alteration is inconclusive. Since supporting evidence is limited at this time, the clinical significance of this alteration remains unclear.